The following is an entry in ClinVar:

ClinVar aggregate classification (germline): Uncertain significance (1 of 4 stars; one submission).

gnomAD v4.1: 6 of 1,613,920 alleles (0.00037%); highest among the groups gnomAD compares: Middle Eastern, 0.017%; no homozygotes.

Submission:

GeneDx
Classification: Uncertain significance. Last evaluated: 2024-06-21. Review status: criteria provided, single submitter. Criteria: GeneDx Variant Classification Process June 2021. Collection method: clinical testing. Allele origin: germline. Affected: yes.
Comment: Not observed at significant frequency in large population cohorts (gnomAD); In silico analysis supports that this missense variant has a deleterious effect on protein structure/function; Has not been previously published as pathogenic or benign to our knowledge

NM_006947.4(SRP72):c.791C>G (p.Ala264Gly)

Gene: SRP72 (signal recognition particle 72; plus strand). Cytogenetic location: 4q12.
Variant type: single nucleotide variant.
Coding change: c.791C>G on transcript NM_006947.4 (MANE Select); coding-DNA position 791, C replaced by G.
Protein change: p.Ala264Gly; replaces alanine 264 with glycine.
Molecular consequence: missense variant. On other transcripts: non-coding transcript variant (1), intron variant (1).
Genome position (GRCh38, 1-based): chr4:56,478,615, C>G. VCF-style: chr4-56478615-C-G. GRCh37 (hg19) VCF-style: chr4-57344781-C-G.
Other names: c.642+1913C>G (NM_001267722.2); short protein forms A264G.
Identifiers: ClinVar variation 3391524 (VCV003391524.1).